The following is an entry in ClinVar:

ClinVar aggregate classification (germline): Pathogenic/Likely pathogenic. Review status: criteria provided, multiple submitters, no conflicts (2 of 4 stars). 5 submissions from 5 submitters: Pathogenic (3); Likely pathogenic (2). Last evaluated 2025-05-07.

Conditions:
Familial cancer of breast. Also called: hereditary breast carcinoma; BREAST CANCER, FAMILIAL; Hereditary breast cancer. Identifiers: Orphanet 227535, MedGen C0346153, MONDO:0016419, OMIM 114480. Disease mechanism: loss of function.
Hereditary cancer-predisposing syndrome. Also called: Neoplastic Syndromes, Hereditary; Hereditary Cancer Syndrome; Tumor predisposition; Hereditary neoplastic syndrome. Identifiers: Orphanet 140162, MedGen C0027672, MeSH D009386, MONDO:0015356.
Ataxia-telangiectasia syndrome (AT). Also called: Ataxia-telangiectasia, complementation group D; AT, COMPLEMENTATION GROUP C; Ataxia-telangiectasia, complementation group E; Cerebello-oculocutaneous telangiectasia; Immunodeficiency with ataxia telangiectasia; ATAXIA-TELANGIECTASIA, COMPLEMENTATION GROUP A. Identifiers: Orphanet 100, MedGen C0004135, MONDO:0008840, OMIM 208900.

Submissions (5):

Natera, Inc.
Classification: Likely pathogenic for Ataxia-telangiectasia. Last evaluated: 2025-05-07. Review status: criteria provided, single submitter. Criteria: Natera Variant Classification Schema (03/2026). Collection method: clinical testing. Allele origin: germline.
Comment: The c.1045_1052del variant in ATM is a frameshift variant predicted to shift the reading frame beginning at codon 349 and leads to a stop codon 7 codons downstream. This variant is expected to result in nonsense mediated decay, truncation, or a dysfunctional protein product. This variant is rare in the general population with a frequency below the threshold expected for the associated phenotype(s). Given the available evidence, this variant is classified as Likely Pathogenic.

Ambry Genetics
Classification: Pathogenic for Hereditary cancer-predisposing syndrome. Last evaluated: 2024-03-12. Review status: criteria provided, single submitter. Criteria: Ambry Variant Classification Scheme 2023. Collection method: clinical testing. Allele origin: germline.
Comment: The c.1045_1052delATGGCAGA pathogenic mutation, located in coding exon 7 of the ATM gene, results from a deletion of 8 nucleotides at nucleotide positions 1045 to 1052, causing a translational frameshift with a predicted alternate stop codon (p.M349Yfs*7). This alteration is expected to result in loss of function by premature protein truncation or nonsense-mediated mRNA decay. As such, this alteration is interpreted as a disease-causing mutation.

Labcorp Genetics (formerly Invitae), Labcorp
Classification: Pathogenic for Ataxia-telangiectasia syndrome. Last evaluated: 2023-08-17. Review status: criteria provided, single submitter. Criteria: Invitae Variant Classification Sherloc (09022015). Collection method: clinical testing. Allele origin: germline.
Comment: For these reasons, this variant has been classified as Pathogenic. RNA analysis performed to evaluate the impact of this premature translational stop signal on mRNA splicing indicates it does not significantly alter splicing (Invitae). ClinVar contains an entry for this variant (Variation ID: 582508). This variant has not been reported in the literature in individuals affected with ATM-related conditions. This variant is not present in population databases (gnomAD no frequency). This sequence change creates a premature translational stop signal (p.Met349Tyrfs*7) in the ATM gene. It is expected to result in an absent or disrupted protein product. Loss-of-function variants in ATM are known to be pathogenic (PMID: 23807571, 25614872).

Myriad Genetics, Inc.
Classification: Pathogenic for Familial cancer of breast. Last evaluated: 2023-05-24. Review status: criteria provided, single submitter. Criteria: Myriad Autosomal Dominant, Autosomal Recessive and X-Linked Classification Criteria (2023). Collection method: clinical testing. Allele origin: unknown.
Comment: This variant is considered pathogenic. This variant creates a frameshift predicted to result in premature protein truncation.

Baylor Genetics
Classification: Likely pathogenic for Familial cancer of breast. Last evaluated: 2021-07-23. Review status: criteria provided, single submitter. Criteria: ACMG Guidelines, 2015. Collection method: clinical testing. Allele origin: unknown.

Literature cited by the submitters: PubMed 23807571 (cited by Labcorp Genetics (formerly Invitae), Labcorp); PubMed 25614872 (cited by Labcorp Genetics (formerly Invitae), Labcorp).

NM_000051.4(ATM):c.1045_1052del (p.Met349fs)

Gene: ATM (ATM serine/threonine kinase; plus strand). Cytogenetic location: 11q22.3.
Variant type: Deletion.
Coding change: c.1045_1052del on transcript NM_000051.4 (MANE Select); coding-DNA positions 1045 to 1052, 8 bases deleted (ATGGCAGA; older notation c.1045_1052delATGGCAGA).
Protein change: p.Met349fs; shifts the reading frame from methionine 349.
Molecular consequence: frameshift variant.
Genome position (GRCh38, 1-based): chr11:108,247,107-108,247,114, ATGGCAGA deleted. VCF-style (leftmost placement, unchanged base first): chr11-108247106-GATGGCAGA-G. GRCh37 (hg19) VCF-style: chr11-108117833-GATGGCAGA-G.
Other names: c.1045_1052del (NM_000051.3); c.1045_1052delATGGCAGA (NM_000051.3); c.1045_1052del, p.Met349fs (NM_001351834.2); short protein forms M349fs.
Identifiers: ClinVar variation 582508 (VCV000582508.13), dbSNP rs1565375817, ClinGen allele CA891842905.